The following is an entry in ClinVar:

NM_005228.5(EGFR):c.3133T>C (p.Ser1045Pro)

Gene: EGFR (epidermal growth factor receptor; plus strand). Cytogenetic location: 7p11.2.
Variant type: single nucleotide variant.
Coding change: c.3133T>C on transcript NM_005228.5 (MANE Select); coding-DNA position 3133, T replaced by C.
Protein change: p.Ser1045Pro; replaces serine 1045 with proline.
Molecular consequence: missense variant.
Genome position (GRCh38, 1-based): chr7:55,201,753, T>C. VCF-style: chr7-55201753-T-C. GRCh37 (hg19) VCF-style: chr7-55269446-T-C.
Other names: c.2998T>C, p.Ser1000Pro (NM_001346897.2, NM_001346899.2); c.3133T>C, p.Ser1045Pro (NM_001346898.2); c.2974T>C, p.Ser992Pro (NM_001346900.2); c.2332T>C, p.Ser778Pro (NM_001346941.2); c.3133T>C (NM_005228.3); short protein forms S992P, S1000P, S778P, S1045P.
Identifiers: ClinVar variation 1421130 (VCV001421130.7), dbSNP rs1364225726, ClinGen allele CA367582933.

ClinVar aggregate classification (germline): Uncertain significance. Review status: criteria provided, multiple submitters, no conflicts (2 of 4 stars). 2 submissions from 2 submitters: Uncertain significance (2). Last evaluated 2025-12-10.

Conditions:
EGFR-related lung cancer (EGFR). Identifiers: MedGen CN130014.
Hereditary cancer-predisposing syndrome. Also called: Neoplastic Syndromes, Hereditary; Hereditary Cancer Syndrome; Hereditary neoplastic syndrome; Tumor predisposition. Identifiers: Orphanet 140162, MedGen C0027672, MeSH D009386, MONDO:0015356.

Allele frequency attached by ClinVar (database versions not stated): gnomAD 0.00001.
gnomAD v4.1: 1 of 1,614,024 alleles (0.000062%); highest among the groups gnomAD compares: East Asian, 0.0022%; no homozygotes.

Submissions (2):

Labcorp Genetics (formerly Invitae), Labcorp
Classification: Uncertain significance for EGFR-related lung cancer. Last evaluated: 2025-12-10. Review status: criteria provided, single submitter. Criteria: Invitae Variant Classification Sherloc (09022015). Collection method: clinical testing. Allele origin: germline.
Comment: This sequence change replaces serine, which is neutral and polar, with proline, which is neutral and non-polar, at codon 1045 of the EGFR protein (p.Ser1045Pro). This variant is present in population databases (no rsID available, gnomAD 0.06%). This variant has not been reported in the literature in individuals affected with EGFR-related conditions. ClinVar contains an entry for this variant (Variation ID: 1421130). An algorithm developed to predict the effect of missense changes on protein structure and function outputs the following: PolyPhen-2: "Benign". The proline amino acid residue is found in multiple mammalian species, which suggests that this missense change does not adversely affect protein function. In summary, the available evidence is currently insufficient to determine the role of this variant in disease. Therefore, it has been classified as a Variant of Uncertain Significance.

Ambry Genetics
Classification: Uncertain significance for Hereditary cancer-predisposing syndrome. Last evaluated: 2025-01-17. Review status: criteria provided, single submitter. Criteria: Ambry Variant Classification Scheme 2023. Collection method: clinical testing. Allele origin: germline.
Comment: The p.S1045P variant (also known as c.3133T>C), located in coding exon 26 of the EGFR gene, results from a T to C substitution at nucleotide position 3133. The serine at codon 1045 is replaced by proline, an amino acid with similar properties. This amino acid position is conserved. In addition, this alteration is predicted to be tolerated by in silico analysis. Based on the available evidence, the clinical significance of this variant remains unclear.